The following is an entry in ClinVar:

ClinVar aggregate classification (germline): Likely benign. Review status: criteria provided, single submitter (1 of 4 stars). 2 submissions from 2 submitters: Likely benign (1). 1 of the submissions does not count toward it. Last evaluated 2020-02-21.

Conditions:
SBF2-related disorder. Also called: SBF2-related condition.
Charcot-Marie-Tooth disease type 4. Also called: Charcot-Marie-Tooth, Type 4; Charcot-Marie-Tooth disease, type IV. Identifiers: Orphanet 64749, MedGen C4082197, MONDO:0018995.

Allele frequency attached by ClinVar (database versions not stated): TOPMed below 0.00001.

Submissions (2):

Labcorp Genetics (formerly Invitae), Labcorp
Classification: Likely benign for Charcot-Marie-Tooth disease type 4. Last evaluated: 2020-02-21. Review status: criteria provided, single submitter. Criteria: Invitae Variant Classification Sherloc (09022015). Collection method: clinical testing. Allele origin: germline.

PreventionGenetics, part of Exact Sciences
Classification: Likely benign for SBF2-related condition. Last evaluated: 2023-07-11. Review status: no assertion criteria provided. Collection method: clinical testing. Allele origin: germline. Not counted in ClinVar's aggregate classification.
Comment: This variant is classified as likely benign based on ACMG/AMP sequence variant interpretation guidelines (Richards et al. 2015 PMID: 25741868, with internal and published modifications).

NM_030962.4(SBF2):c.2112T>A (p.Pro704=)

Genes: SBF2 (SET binding factor 2; minus strand), LOC101928008 (uncharacterized LOC101928008; plus strand). Cytogenetic location: 11p15.4.
Variant type: single nucleotide variant.
Coding change: c.2112T>A on transcript NM_030962.4 (MANE Select); coding-DNA position 2112, T replaced by A.
Protein change: p.Pro704=; no amino-acid change (proline 704 retained).
Molecular consequence: synonymous variant.
Genome position (GRCh38, 1-based): chr11:9,856,709, A>T on the plus strand (T>A on the coding strand, the complement: SBF2 is on the minus strand). VCF-style: chr11-9856709-A-T. GRCh37 (hg19) VCF-style: chr11-9878256-A-T.
Other names: c.2112T>A (NM_030962.3); c.2112T>A, p.Pro704= (NM_001386339.1); c.1983T>A, p.Pro661= (NM_001386342.1).
Identifiers: ClinVar variation 1108101 (VCV001108101.12), dbSNP rs1857340727, ClinGen allele CA473255862.
Genomic context (GRCh38, chr11:9,856,709, plus strand): 5'-CCAAAGGCGTAGTTGCTCAGCTGCCAGGTCCATTGCTGTCTTCTCCTGATAATGGTCATC[A>T]GGAAGCTTATCCTAAAAAATAAAGCAACACAATCCAAAAGAGAACCATCACTTCAGGTGA-3'
Protein context (NP_112224.1, residues 694-714): APHLKQKDKL[Pro704=]DDHYQEKTAM